The following is an entry in ClinVar:

NM_000051.4(ATM):c.1650A>G (p.Ile550Met)

Gene: ATM (ATM serine/threonine kinase; plus strand). Cytogenetic location: 11q22.3.
Variant type: single nucleotide variant.
Coding change: c.1650A>G on transcript NM_000051.4 (MANE Select); coding-DNA position 1650, A replaced by G.
Protein change: p.Ile550Met; replaces isoleucine 550 with methionine.
Molecular consequence: missense variant.
Genome position (GRCh38, 1-based): chr11:108,251,879, A>G. VCF-style: chr11-108251879-A-G. GRCh37 (hg19) VCF-style: chr11-108122606-A-G.
Other names: c.1650A>G, p.Ile550Met (NM_001351834.2); short protein forms I550M.
Identifiers: ClinVar variation 407568 (VCV000407568.15), dbSNP rs1060501606, ClinGen allele CA16612992.

ClinVar aggregate classification (germline): Uncertain significance. Review status: criteria provided, multiple submitters, no conflicts (2 of 4 stars). 4 submissions from 4 submitters: Uncertain significance (4). Last evaluated 2025-11-23.

Conditions:
Ataxia-telangiectasia syndrome (AT). Also called: Ataxia telangiectasia (A-T); LOUIS-BAR SYNDROME; Cerebello-oculocutaneous telangiectasia; Immunodeficiency with ataxia telangiectasia; Ataxia-telangiectasia, complementation group D; AT, COMPLEMENTATION GROUP C. Identifiers: Orphanet 100, MedGen C0004135, MONDO:0008840, OMIM 208900.
Hereditary cancer-predisposing syndrome. Also called: Hereditary neoplastic syndrome; Neoplastic Syndromes, Hereditary; Tumor predisposition; Hereditary Cancer Syndrome. Identifiers: Orphanet 140162, MedGen C0027672, MeSH D009386, MONDO:0015356.

Submissions (4):

Labcorp Genetics (formerly Invitae), Labcorp
Classification: Uncertain significance for Ataxia-telangiectasia syndrome. Last evaluated: 2025-11-23. Review status: criteria provided, single submitter. Criteria: Invitae Variant Classification Sherloc (09022015). Collection method: clinical testing. Allele origin: germline.
Comment: This sequence change replaces isoleucine, which is neutral and non-polar, with methionine, which is neutral and non-polar, at codon 550 of the ATM protein (p.Ile550Met). This variant is not present in population databases (gnomAD no frequency). This variant has not been reported in the literature in individuals affected with ATM-related conditions. ClinVar contains an entry for this variant (Variation ID: 407568). Invitae Evidence Modeling of protein sequence and biophysical properties (such as structural, functional, and spatial information, amino acid conservation, physicochemical variation, residue mobility, and thermodynamic stability) indicates that this missense variant is not expected to disrupt ATM protein function with a negative predictive value of 95%. In summary, the available evidence is currently insufficient to determine the role of this variant in disease. Therefore, it has been classified as a Variant of Uncertain Significance.

Ambry Genetics
Classification: Uncertain significance for Hereditary cancer-predisposing syndrome. Last evaluated: 2024-05-05. Review status: criteria provided, single submitter. Criteria: Ambry Variant Classification Scheme 2023. Collection method: clinical testing. Allele origin: germline.
Comment: The p.I550M variant (also known as c.1650A>G), located in coding exon 10 of the ATM gene, results from an A to G substitution at nucleotide position 1650. The isoleucine at codon 550 is replaced by methionine, an amino acid with highly similar properties. This amino acid position is poorly conserved in available vertebrate species. In addition, this alteration is predicted to be tolerated by in silico analysis. Since supporting evidence is limited at this time, the clinical significance of this alteration remains unclear.

GeneDx
Classification: Uncertain significance. Last evaluated: 2019-09-12. Review status: criteria provided, single submitter. Criteria: GeneDx Variant Classification Process June 2021. Collection method: clinical testing. Allele origin: germline. Affected: yes.
Comment: Not observed in large population cohorts (Lek 2016); In silico analysis, which includes protein predictors and evolutionary conservation, supports that this variant does not alter protein structure/function; Has not been previously published as pathogenic or benign to our knowledge

Color Diagnostics, LLC DBA Color Health
Classification: Uncertain significance for Hereditary cancer-predisposing syndrome. Last evaluated: 2019-01-31. Review status: criteria provided, single submitter. Criteria: ACMG Guidelines, 2015. Collection method: clinical testing. Allele origin: germline.